The following is an entry in ClinVar:

NM_183381.3(RNF13):c.295A>G (p.Arg99Gly)

Gene: RNF13 (ring finger protein 13; plus strand). Cytogenetic location: 3q25.1.
Variant type: single nucleotide variant.
Coding change: c.295A>G on transcript NM_183381.3 (MANE Select); coding-DNA position 295, A replaced by G.
Protein change: p.Arg99Gly; replaces arginine 99 with glycine.
Molecular consequence: missense variant. On other transcripts: 5 prime UTR variant (6), non-coding transcript variant (1).
Genome position (GRCh38, 1-based): chr3:149,872,128, A>G. VCF-style: chr3-149872128-A-G. GRCh37 (hg19) VCF-style: chr3-149589915-A-G.
Other names: c.295A>G, p.Arg99Gly (NM_001378285.1, NM_001378286.1, NM_007282.4); c.-73A>G (NM_001378287.1, NM_001378288.1, NM_001378289.1 and 2 more transcripts); c.-99A>G (NM_001378291.1); short protein forms R99G.
Identifiers: ClinVar variation 4797010 (VCV004797010.1).
Genomic context (GRCh38, chr3:149,872,128, plus strand): 5'-CCCATAGTGCCTCCACCAGTAAAAGACAATTCATCTGGCACTTTCATCGTGTTAATTAGA[A>G]GACTTGATTGTAATTTTGATATAAAGGTATGATTATCTTTTTTCATTTTTTGTTTCCTAT-3'
Protein context (NP_899237.1, residues 89-109): SSGTFIVLIR[Arg99Gly]LDCNFDIKVL

ClinVar aggregate classification (germline): Uncertain significance (1 of 4 stars; one submission).

Submission:

Labcorp Genetics (formerly Invitae), Labcorp
Classification: Uncertain significance. Last evaluated: 2025-03-11. Review status: criteria provided, single submitter. Criteria: Invitae Variant Classification Sherloc (09022015). Collection method: clinical testing. Allele origin: germline.
Comment: This sequence change replaces arginine, which is basic and polar, with glycine, which is neutral and non-polar, at codon 99 of the RNF13 protein (p.Arg99Gly). This variant is not present in population databases (gnomAD no frequency). This variant has not been reported in the literature in individuals affected with RNF13-related conditions. Invitae Evidence Modeling of protein sequence and biophysical properties (such as structural, functional, and spatial information, amino acid conservation, physicochemical variation, residue mobility, and thermodynamic stability) indicates that this missense variant is not expected to disrupt RNF13 protein function with a negative predictive value of 80%. In summary, the available evidence is currently insufficient to determine the role of this variant in disease. Therefore, it has been classified as a Variant of Uncertain Significance.